The following is an entry in ClinVar:

GRCh38/hg38 17q25.3(chr17:82962359-83086677)x3

Genes: B3GNTL1 (UDP-GlcNAc:betaGal beta-1,3-N-acetylglucosaminyltransferase like 1), METRNL (meteorin like, glial cell differentiation regulator), LOC121852957 (Sharpr-MPRA regulatory region 7018), LOC126862674 (CDK7 strongly-dependent group 2 enhancer GRCh37_chr17:80935960-80937159). Cytogenetic location: 17q25.3.
Variant type: copy number gain.
Change: copy number 3 (three copies instead of two) of chr17:82,962,359-83,086,677 (124.3 kb, GRCh38 coordinates, 1-based), cytogenetic band 17q25.3.
Identifiers: ClinVar variation 57327 (VCV000057327.1).

ClinVar aggregate classification (germline): Uncertain significance (1 of 4 stars; one submission).

Submission:

ISCA site 4
Classification: Uncertain significance. Last evaluated: 2011-08-12. Review status: criteria provided, single submitter. Criteria: Kaminsky et al. (Genet Med. 2011). Collection method: clinical testing. Allele origin: unknown. Affected: yes. Observed: 1 variant allele.
Comment: Copy number variation identified through the course of routine clinical cytogenomic testing in postnatal populations. Clinical assertions have been curated as described in Kaminsky et al. 2011.